The following is an entry in ClinVar:

NM_001903.5(CTNNA1):c.857A>G (p.Asp286Gly)

Gene: CTNNA1 (catenin alpha 1; plus strand). Cytogenetic location: 5q31.2.
Variant type: single nucleotide variant.
Coding change: c.857A>G on transcript NM_001903.5 (MANE Select); coding-DNA position 857, A replaced by G.
Protein change: p.Asp286Gly; replaces aspartic acid 286 with glycine.
Molecular consequence: missense variant.
Genome position (GRCh38, 1-based): chr5:138,824,798, A>G. VCF-style: chr5-138824798-A-G. GRCh37 (hg19) VCF-style: chr5-138160487-A-G.
Other names: c.857A>G, p.Asp286Gly (NM_001290307.3, NM_001323982.2, NM_001323983.1 and 3 more transcripts); c.548A>G, p.Asp183Gly (NM_001290309.3); c.488A>G, p.Asp163Gly (NM_001290310.3); short protein forms D163G, D183G, D286G.
Identifiers: ClinVar variation 4825924 (VCV004825924.1).

ClinVar aggregate classification (germline): Uncertain significance (1 of 4 stars; one submission).

Conditions:
Hereditary cancer-predisposing syndrome. Also called: Neoplastic Syndromes, Hereditary; Tumor predisposition; Hereditary Cancer Syndrome; Hereditary neoplastic syndrome. Identifiers: Orphanet 140162, MedGen C0027672, MeSH D009386, MONDO:0015356.

gnomAD v4.1: 1 of 1,610,176 alleles (0.000062%); highest among the groups gnomAD compares: Non-Finnish European, 0.000085%; no homozygotes.

Submission:

Ambry Genetics
Classification: Uncertain significance for Hereditary cancer-predisposing syndrome. Last evaluated: 2026-03-06. Review status: criteria provided, single submitter. Criteria: Ambry Variant Classification Scheme 2023. Collection method: clinical testing. Allele origin: germline.
Comment: The p.D286G variant (also known as c.857A>G), located in coding exon 5 of the CTNNA1 gene, results from an A to G substitution at nucleotide position 857. The aspartic acid at codon 286 is replaced by glycine, an amino acid with similar properties. This amino acid position is conserved. In addition, this alteration is predicted to be deleterious by in silico analysis. Based on the available evidence, the clinical significance of this variant remains unclear.